The following is an entry in ClinVar:

ClinVar aggregate classification (germline): Benign. Review status: reviewed by expert panel (3 of 4 stars). 8 submissions from 8 submitters: Benign (1). 7 of the submissions do not count toward it. Last evaluated 2024-05-01.

Conditions:
Primary pulmonary hypertension. Also called: Idiopathic pulmonary hypertension. Identifiers: MedGen C0152171.
Pulmonary hypertension, primary, 1 (PPH1). Also called: Pulmonary hypertension, familial primary, 1, with or without HHT. Identifiers: Orphanet 422, MedGen C4552070, MONDO:0024533, OMIM 178600.
Pulmonary venoocclusive disease 1 (PVOD1). Also called: Pulmonary venoocclusive disease 1, autosomal dominant. Identifiers: Orphanet 31837, MedGen C3887658, MONDO:0020713, OMIM 265450.
Pulmonary arterial hypertension. Identifiers: Orphanet 182090, MedGen C2973725, MeSH D000081029, MONDO:0015924, HP:0002092.

Allele frequency attached by ClinVar (database versions not stated): 1000 Genomes Project 0.00339; 1000 Genomes Project 30x 0.00344; TOPMed 0.00432; gnomAD 0.00616 and 0.00624.
gnomAD v4.1: 2,965 of 401,380 alleles (0.74%); highest among the groups gnomAD compares: Non-Finnish European, 0.88%; 24 homozygotes.

Submissions (8):

Clingen Pulmonary Hypertension Variant Curation Expert Panel, ClinGen
Classification: Benign for Pulmonary arterial hypertension. Last evaluated: 2024-05-01. Review status: reviewed by expert panel. Criteria: ClinGen PH ACMG Specifications BMPR2 V1.1.0. Collection method: curation. Allele origin: germline. Inheritance: Autosomal dominant inheritance.
Comment: The BMPR2 c.-669G>A variant is a 5’UTR variant with contradictory evidence for a functional promoter effect (PMID: 19223935 and PMID: 30336198). Both reports included luciferase assays comparing transcriptional activity of cells expressing wild-type or variant promoter constructs. PMID: 19223935 reported a negative effect on BMPR2 expression but the assay used a short 300 bp promoter fragment and no known pathogenic or benign variant controls. PMID: 30336198 reported no effect on BMPR2 expression using longer 1520 bp promoter fragments and included nine different PAH associated variants. Based on the latter report, PS3 was not applied. PMID: 26387786 reported three PAH probands with the c.-669G>A variant. However, the variant has also been identified in numerous individuals from control populations. In gnomAD v2.1.1 controls (11/2022), the Estonian population had an AF of 2.65% (105/3956 alleles, including 2 homozygotes) which is higher than the ClinGen Pulmonary Hypertension VCEP threshold of >1% for BA1, and therefore meets this stand-alone criterion (BA1). In summary, the variant meets the criteria to be classified as benign for pulmonary arterial hypertension based on ACMG/AMP criteria applied, as specified by the ClinGen Pulmonary Hypertension VCEP: BA1 (VCEP specification version 1.1, 1/18/2024).

CeGaT Center for Human Genetics Tuebingen
Classification: Likely benign. Last evaluated: 2026-08-01. Review status: criteria provided, single submitter. Criteria: CeGaT Center For Human Genetics Tuebingen Variant Classification Criteria Version 2. Collection method: clinical testing. Allele origin: germline. Affected: yes. Observed: 5 variant alleles. Not counted in ClinVar's aggregate classification.
Comment: BMPR2: BS2

Labcorp Genetics (formerly Invitae), Labcorp
Classification: Benign for Primary pulmonary hypertension. Last evaluated: 2025-09-15. Review status: criteria provided, single submitter. Criteria: Invitae Variant Classification Sherloc (09022015). Collection method: clinical testing. Allele origin: germline. Not counted in ClinVar's aggregate classification.

ARUP Laboratories, Molecular Genetics and Genomics, ARUP Laboratories
Classification: Benign. Last evaluated: 2025-07-18. Review status: criteria provided, single submitter. Criteria: ARUP Molecular Germline Variant Investigation Process 2024. Collection method: clinical testing. Allele origin: germline. Not counted in ClinVar's aggregate classification.

Mendelics
Classification: Benign. Last evaluated: 2022-05-04. Review status: criteria provided, single submitter. Criteria: Mendelics Assertion Criteria 2019. Collection method: clinical testing. Allele origin: germline. Not counted in ClinVar's aggregate classification.

Fulgent Genetics
Classification: Benign for Pulmonary hypertension, primary, 1; Pulmonary venoocclusive disease 1. Last evaluated: 2022-04-14. Review status: criteria provided, single submitter. Criteria: ACMG Guidelines, 2015. Collection method: clinical testing. Allele origin: unknown. Not counted in ClinVar's aggregate classification.

Illumina Laboratory Services, Illumina
Classification: Likely benign for Pulmonary hypertension, primary, 1. Last evaluated: 2017-04-27. Review status: criteria provided, single submitter. Criteria: ICSL Variant Classification Criteria 13 December 2019. Collection method: clinical testing. Allele origin: germline. Not counted in ClinVar's aggregate classification.
Comment: This variant was observed as part of a predisposition screen in an ostensibly healthy population. A literature search was performed for the gene, cDNA change, and amino acid change (where applicable). Publications were found based on this search. The evidence from the literature, in combination with allele frequency data from public databases where available, was sufficient to determine this variant is unlikely to cause disease. Therefore, this variant is classified as likely benign.

Rare Disease Genomics Group, St George's University of London
Classification: Benign for Primary pulmonary hypertension. Last evaluated: 2024-02-07. Review status: no assertion criteria provided. Collection method: literature only. Allele origin: germline. Inheritance: Autosomal dominant inheritance. Affected: yes. Not counted in ClinVar's aggregate classification.
Comment: The NM_001204.7(BMPR2):c.-669G>A variant has an allele frequency of >2% in the European (Finnish) population and has been observed in the homozygous state (n=24) in the gnomAD database (v.4.0.0). Therefore, this variant meets our criteria to be classified as benign, based on allele frequency data.

Literature cited by the submitters: PubMed 19223935 (cited by Illumina Laboratory Services, Illumina).

NM_001204.7(BMPR2):c.-669G>A

Genes: BMPR2 (bone morphogenetic protein receptor type 2; plus strand), LOC129935434 (ATAC-STARR-seq lymphoblastoid silent region 12244; plus strand). Cytogenetic location: 2q33.1.
Variant type: single nucleotide variant.
Coding change: c.-669G>A on transcript NM_001204.7 (MANE Select); 669 bases upstream of the start codon, G replaced by A.
Molecular consequence: 5 prime UTR variant.
Genome position (GRCh38, 1-based): chr2:202,376,806, G>A. VCF-style: chr2-202376806-G-A. GRCh37 (hg19) VCF-style: chr2-203241529-G-A.
Other names: c.-669G>A (LRG_712t1).
Identifiers: ClinVar variation 333629 (VCV000333629.40), dbSNP rs115604088, ClinGen allele CA10613567.